The following is an entry in ClinVar:

NM_001395656.1(ROBO2):c.2782C>G (p.Leu928Val)

Gene: ROBO2 (roundabout guidance receptor 2; plus strand). Cytogenetic location: 3p12.3.
Variant type: single nucleotide variant.
Coding change: c.2782C>G on transcript NM_001395656.1 (MANE Select); coding-DNA position 2782, C replaced by G.
Protein change: p.Leu928Val; replaces leucine 928 with valine.
Molecular consequence: missense variant.
Genome position (GRCh38, 1-based): chr3:77,596,666, C>G. VCF-style: chr3-77596666-C-G. GRCh37 (hg19) VCF-style: chr3-77645817-C-G.
Other names: c.2818C>G, p.Leu940Val (NM_001128929.3); c.2782C>G, p.Leu928Val (NM_001290039.2, NM_001290040.2, NM_001378202.1); c.991C>G, p.Leu331Val (NM_001290065.2); c.2830C>G, p.Leu944Val (NM_001378190.1, NM_001378191.1, NM_001378195.1 and 4 more transcripts); c.2851C>G, p.Leu951Val (NM_001378192.1, NM_001378194.1, NM_001378198.1 and 2 more transcripts); c.2770C>G, p.Leu924Val (NM_001378193.1, NM_001378197.1, NM_002942.5); c.2839C>G, p.Leu947Val (NM_001394212.1, NM_001394214.1, NM_001395657.1); short protein forms L331V, L924V, L928V, L940V, L944V, L947V, L951V.
Identifiers: ClinVar variation 2663183 (VCV002663183.1), dbSNP rs982912843, ClinGen allele CA77514921.

ClinVar aggregate classification (germline): Uncertain significance (1 of 4 stars; one submission).

Allele frequency attached by ClinVar (database versions not stated): gnomAD 0.00002.
gnomAD v4.1: 3 of 1,613,824 alleles (0.00019%); highest among the groups gnomAD compares: African/African-American, 0.004%; no homozygotes.

Submission:

GeneDx
Classification: Uncertain significance. Last evaluated: 2023-05-10. Review status: criteria provided, single submitter. Criteria: GeneDx Variant Classification Process June 2021. Collection method: clinical testing. Allele origin: germline. Affected: yes.
Comment: Not observed at significant frequency in large population cohorts (gnomAD); In silico analysis supports that this missense variant has a deleterious effect on protein structure/function; Has not been previously published as pathogenic or benign to our knowledge